The following is an entry in ClinVar:

ClinVar aggregate classification (germline): Conflicting classifications of pathogenicity. Review status: criteria provided, conflicting classifications (1 of 4 stars). 12 submissions from 12 submitters: Pathogenic (7); Likely pathogenic (3); Uncertain significance (1). 1 of the submissions does not count toward it. Last evaluated 2025-11-10.

Conditions:
Nonpapillary renal cell carcinoma. Identifiers: Orphanet 422526, MedGen CN074294, MONDO:0007763, OMIM 144700.
Renal cysts and diabetes syndrome (RCAD). Also called: MATURITY-ONSET DIABETES OF THE YOUNG, TYPE 5; Familial hypoplastic, glomerulocystic kidney. Identifiers: Orphanet 93111, MedGen C0431693, MONDO:0007669, OMIM 137920.
Type 2 diabetes mellitus. Also called: Type II diabetes mellitus. Identifiers: MedGen C0011860, MeSH D003924, MONDO:0005148, OMIM 125853, HP:0005978.
HNF1B-related disorder. Also called: HNF1B-related condition; HNF1B-related disorders.
Maturity-onset diabetes of the young (MODY). Also called: Maturity onset diabetes mellitus in young. Identifiers: Orphanet 552, MedGen C0342276, MONDO:0018911, HP:0004904.

Submissions (12):

GeneDx
Classification: Likely pathogenic. Last evaluated: 2025-11-10. Review status: criteria provided, single submitter. Criteria: GeneDx Variant Classification Process June 2021. Collection method: clinical testing. Allele origin: germline. Affected: yes.
Comment: Not observed at significant frequency in large population cohorts (gnomAD); In silico analysis supports that this missense variant has a deleterious effect on protein structure/function; This variant is associated with the following publications: (PMID: 16249435, 17924661, 34487217, 27838256, 31131422, 31595705, 33574344, 34440516, 15068978, 15509593, 37880672, 37205953, 35325889, 15930087)

Women's Health and Genetics/Laboratory Corporation of America, LabCorp
Classification: Pathogenic for Maturity-onset diabetes of the young. Last evaluated: 2025-10-23. Review status: criteria provided, single submitter. Criteria: LabCorp Variant Classification Summary - May 2015. Collection method: clinical testing. Allele origin: germline.
Comment: Variant summary: HNF1B c.884G>A (p.Arg295His) results in a non-conservative amino acid change in the encoded protein sequence. Algorithms developed to predict the effect of missense changes on protein structure and function all suggest that this variant is likely to be disruptive. The variant was absent in 251460 control chromosomes (gnomAD). c.884G>A has been observed in individuals affected with clinical features of HNF1B-related disorders (Bellanne-Chantelo_2004, Nagano_2019). These data indicate that the variant is likely to be associated with disease. At least one publication reports experimental evidence evaluating an impact on protein function and this variant affected the HNF1B protein function (Barbacci_2004). The following publications have been ascertained in the context of this evaluation (PMID: 15509593, 15068978, 27838256, 31131422). ClinVar contains an entry for this variant (Variation ID: 288154). Based on the evidence outlined above, the variant was classified as pathogenic.

Victorian Clinical Genetics Services, Murdoch Childrens Research Institute
Classification: Pathogenic for Renal cysts and diabetes syndrome. Last evaluated: 2025-10-16. Review status: criteria provided, single submitter. Criteria: ACMG Guidelines, 2015. Collection method: clinical testing. Allele origin: germline. Affected: yes.
Comment: This variant is classified as Pathogenic. Evidence in support of pathogenic classification: Variant is absent from gnomAD (v2, v3 and v4); This variant has very strong previous evidence of pathogenicity in unrelated individuals. It has been classified as likely pathogenic and pathogenic by clinical laboratories in ClinVar. In addition, it has been reported in the literature in multiple individuals with diabetes, renal cysts and/or liver disease (PMIDs: 33574344, 31595705, 24652735, 37205953); Missense variant predicted to be damaging by in silico tool(s) or highly conserved with a major amino acid change. Additional information: Variant is predicted to result in a missense amino acid change from Arg to His; This variant is heterozygous; This gene is associated with autosomal dominant disease; Alternative amino acid change(s) at the same position are present in gnomAD (Highest allele count: v4: 1 heterozygote(s), 0 homozygote(s)); Variant is located in the annotated DNA binding region (DECIPHER); Dominant negative, loss of function, and gain of function are all reported mechanisms of disease in this gene and are associated with type 2 diabetes mellitus (MIM#125853) and renal cysts and diabetes syndrome (MIM#137920; OMIM, PMID: 25536396, 11845238, 15509593); Variants in this gene are known to have variable expressivity. There is significant interfamilial and intrafamilial variability of HNF1B-related nephropathy (PMID: 33305128). Variable age of onset, that ranges from infancy to adulthood (OMIM); Inheritance information for this variant is not currently available in this individual.

3billion
Classification: Pathogenic for Renal cysts and diabetes syndrome. Last evaluated: 2024-07-28. Review status: criteria provided, single submitter. Criteria: ACMG Guidelines, 2015. Collection method: clinical testing. Allele origin: germline. Affected: yes.
Comment: The variant is not observed in the gnomAD v4.0.0 dataset. Predicted Consequence/Location: The variant is located in a mutational hot spot and/or well-established functional domain in which established pathogenic variants have been reported (PMID: 15509593, 12453420). In silico tool predictions suggest damaging effect of the variant on gene or gene product [REVEL: 0.87 (>=0.6, sensitivity 0.68 and specificity 0.92); 3Cnet: 0.99 (>=0.6, sensitivity 0.72 and precision 0.9)]. The same nucleotide change resulting in the same amino acid change has been previously reported as pathogenic/likely pathogenic with strong evidence (ClinVar ID: VCV000288154 /PMID: 15068978). Different missense changes at the same codon (p.Arg295Cys, p.Arg295Pro) have been reported as pathogenic/likely pathogenic with strong evidence (ClinVar ID: VCV000635630, VCV000635631 /PMID: 15930087, 16249435). Therefore, this variant is classified as Pathogenic according to the recommendation of ACMG/AMP guideline.

Labcorp Genetics (formerly Invitae), Labcorp
Classification: Pathogenic. Last evaluated: 2024-02-23. Review status: criteria provided, single submitter. Criteria: Invitae Variant Classification Sherloc (09022015). Collection method: clinical testing. Allele origin: germline.
Comment: This sequence change replaces arginine, which is basic and polar, with histidine, which is basic and polar, at codon 295 of the HNF1B protein (p.Arg295His). This variant is not present in population databases (gnomAD no frequency). This missense change has been observed in individual(s) with HNF1B-related disorders and/or renal cysts and diabetes syndrome (PMID: 15068978, 16249435, 31131422, 33574344). ClinVar contains an entry for this variant (Variation ID: 288154). Advanced modeling of protein sequence and biophysical properties (such as structural, functional, and spatial information, amino acid conservation, physicochemical variation, residue mobility, and thermodynamic stability) has been performed at Invitae for this missense variant, however the output from this modeling did not meet the statistical confidence thresholds required to predict the impact of this variant on HNF1B protein function. Experimental studies have shown that this missense change affects HNF1B function (PMID: 15509593). This variant disrupts the p.Arg295 amino acid residue in HNF1B. Other variant(s) that disrupt this residue have been determined to be pathogenic (PMID: 16249435, 23979948, 31825128). This suggests that this residue is clinically significant, and that variants that disrupt this residue are likely to be disease-causing. For these reasons, this variant has been classified as Pathogenic.

Blueprint Genetics
Classification: Pathogenic for HNF1B-related disorders. Last evaluated: 2024-02-22. Review status: criteria provided, single submitter. Criteria: ACMG Guidelines, 2015. Collection method: clinical testing. Allele origin: germline. Affected: yes. Observed: 1 variant allele.

Medical Genetics Center, Maternal and Child Health Hospital of Hubei Province
Classification: Likely pathogenic for Renal cysts and diabetes syndrome. Last evaluated: 2022-01-04. Review status: criteria provided, single submitter. Criteria: ACMG Guidelines, 2015. Collection method: clinical testing. Allele origin: paternal. Affected: yes.

Fulgent Genetics
Classification: Pathogenic for Type 2 diabetes mellitus; Renal cysts and diabetes syndrome; Nonpapillary renal cell carcinoma. Last evaluated: 2021-06-30. Review status: criteria provided, single submitter. Criteria: ACMG Guidelines, 2015. Collection method: clinical testing. Allele origin: unknown.
Comment: This variant has been detected in individual(s) who were sent for testing of Renasight - kidney gene panel.

Institute of Human Genetics, FAU Erlangen, Friedrich-Alexander-Universität Erlangen-Nürnberg
Classification: Pathogenic for Renal cysts and diabetes syndrome. Last evaluated: 2019-07-06. Review status: criteria provided, single submitter. Criteria: ACMG Guidelines, 2015. Collection method: literature only. Allele origin: germline. Affected: yes.
Comment: This variant and it's classification has been reported by Vasileiou et al. 2019; DOI:10.1101/576918. The variants has previously been reported in ClinVar:288154; PMID:25700310; PMID:16249435; PMID:15068978; PMID:25536396; PMID:25536396 as "NM_000458.3(HNF1B):c.884G>A (p.Arg295His); c.884G>A; c.884G>A; c.884G>A" with clinical significance Conflicting interpretations of pathogenicity; Pathogenic. It has been re-classified using InterVar and manual curation as Pathogenic based on PS4 PM1 PM2 PM5 PP3 PP5.

Athena Diagnostics
Classification: Likely pathogenic. Last evaluated: 2018-08-22. Review status: criteria provided, single submitter. Criteria: Athena Diagnostics Criteria. Collection method: clinical testing. Allele origin: germline.
Comment: Not found in the total gnomAD dataset, and the data is high quality (0/276870 chr). Found in at least one symptomatic patient. Predicted to have a damaging effect on the protein. Damaging to protein function(s) relevant to disease mechanism.

Eurofins Ntd Llc (ga)
Classification: Uncertain significance. Last evaluated: 2016-07-14. Review status: criteria provided, single submitter. Criteria: EGL Classification Definitions 2015. Collection method: clinical testing. Allele origin: germline. Observed: 1 variant allele, 1 heterozygote.

Biochemistry Department, Nishtar Medical University
Classification: Pathogenic for Renal cysts and diabetes syndrome. Last evaluated: 2024-03-25. Review status: no assertion criteria provided. Collection method: clinical testing. Allele origin: germline. Affected: yes. Observed: 1 variant allele. Not counted in ClinVar's aggregate classification.

Literature cited by the submitters: PubMed 15509593 (cited by 5 submitters); PubMed 15068978 (cited by 6 submitters); PubMed 27838256 (cited by 3 submitters); PubMed 31131422 (cited by 3 submitters); PubMed 33574344 (cited by 3 submitters); PubMed 11845238 (cited by Victorian Clinical Genetics Services, Murdoch Childrens Research Institute); PubMed 37205953 (cited by Victorian Clinical Genetics Services, Murdoch Childrens Research Institute); PubMed 31595705 (cited by Victorian Clinical Genetics Services, Murdoch Childrens Research Institute); PubMed 25536396 (cited by Victorian Clinical Genetics Services, Murdoch Childrens Research Institute and Institute of Human Genetics, FAU Erlangen, Friedrich-Alexander-Universität Erlangen-Nürnberg); PubMed 33305128 (cited by Victorian Clinical Genetics Services, Murdoch Childrens Research Institute); PubMed 24652735 (cited by Victorian Clinical Genetics Services, Murdoch Childrens Research Institute); PubMed 15930087 (cited by 3billion); PubMed 12453420 (cited by 3billion); PubMed 16249435 (cited by 4 submitters); PubMed 23979948 (cited by Labcorp Genetics (formerly Invitae), Labcorp); PubMed 31825128 (cited by Labcorp Genetics (formerly Invitae), Labcorp); PubMed 25700310 (cited by Institute of Human Genetics, FAU Erlangen, Friedrich-Alexander-Universität Erlangen-Nürnberg); DOI 10.1101/576918 (cited by Institute of Human Genetics, FAU Erlangen, Friedrich-Alexander-Universität Erlangen-Nürnberg); PubMed 17924661 (cited by Athena Diagnostics).

NM_000458.4(HNF1B):c.884G>A (p.Arg295His)

Gene: HNF1B (HNF1 homeobox B; minus strand). Cytogenetic location: 17q12.
Variant type: single nucleotide variant.
Coding change: c.884G>A on transcript NM_000458.4 (MANE Select); coding-DNA position 884, G replaced by A.
Protein change: p.Arg295His; replaces arginine 295 with histidine.
Molecular consequence: missense variant.
Genome position (GRCh38, 1-based): chr17:37,731,756, C>T on the plus strand (G>A on the coding strand, the complement: HNF1B is on the minus strand). VCF-style: chr17-37731756-C-T. GRCh37 (hg19) VCF-style: chr17-36091747-C-T.
Other names: c.806G>A, p.Arg269His (NM_001165923.4, NM_001304286.2); short protein forms R295H, R269H.
Identifiers: ClinVar variation 288154 (VCV000288154.27), dbSNP rs886043813, ClinGen allele CA10605981.